The following is an entry in ClinVar:

ClinVar aggregate classification (germline): Conflicting classifications of pathogenicity. Review status: criteria provided, conflicting classifications (1 of 4 stars). 2 submissions from 2 submitters: Uncertain significance (1); Likely benign (1). Last evaluated 2025-07-17.

Conditions:
Hereditary cancer-predisposing syndrome. Also called: Tumor predisposition; Hereditary Cancer Syndrome; Neoplastic Syndromes, Hereditary; Hereditary neoplastic syndrome. Identifiers: Orphanet 140162, MedGen C0027672, MeSH D009386, MONDO:0015356.
Ataxia-telangiectasia syndrome (AT). Also called: Cerebello-oculocutaneous telangiectasia; Immunodeficiency with ataxia telangiectasia; Ataxia-telangiectasia, complementation group D; AT, COMPLEMENTATION GROUP C; Ataxia-telangiectasia, complementation group E; LOUIS-BAR SYNDROME. Identifiers: Orphanet 100, MedGen C0004135, MONDO:0008840, OMIM 208900.

Submissions (2):

Labcorp Genetics (formerly Invitae), Labcorp
Classification: Uncertain significance for Ataxia-telangiectasia syndrome. Last evaluated: 2025-07-17. Review status: criteria provided, single submitter. Criteria: Invitae Variant Classification Sherloc (09022015). Collection method: clinical testing. Allele origin: germline.
Comment: This sequence change replaces methionine, which is neutral and non-polar, with threonine, which is neutral and polar, at codon 1755 of the ATM protein (p.Met1755Thr). This variant is not present in population databases (gnomAD no frequency). This variant has not been reported in the literature in individuals affected with ATM-related conditions. ClinVar contains an entry for this variant (Variation ID: 453570). Invitae Evidence Modeling of protein sequence and biophysical properties (such as structural, functional, and spatial information, amino acid conservation, physicochemical variation, residue mobility, and thermodynamic stability) indicates that this missense variant is not expected to disrupt ATM protein function with a negative predictive value of 95%. In summary, the available evidence is currently insufficient to determine the role of this variant in disease. Therefore, it has been classified as a Variant of Uncertain Significance.

Ambry Genetics
Classification: Likely benign for Hereditary cancer-predisposing syndrome. Last evaluated: 2019-06-04. Review status: criteria provided, single submitter. Criteria: Ambry Variant Classification Scheme 2023. Collection method: clinical testing. Allele origin: germline.

NM_000051.4(ATM):c.5264T>C (p.Met1755Thr)

Gene: ATM (ATM serine/threonine kinase; plus strand). Cytogenetic location: 11q22.3.
Variant type: single nucleotide variant.
Coding change: c.5264T>C on transcript NM_000051.4 (MANE Select); coding-DNA position 5264, T replaced by C.
Protein change: p.Met1755Thr; replaces methionine 1755 with threonine.
Molecular consequence: missense variant.
Genome position (GRCh38, 1-based): chr11:108,301,734, T>C. VCF-style: chr11-108301734-T-C. GRCh37 (hg19) VCF-style: chr11-108172461-T-C.
Other names: c.5264T>C, p.Met1755Thr (NM_001351834.2); short protein forms M1755T.
Identifiers: ClinVar variation 453570 (VCV000453570.12), dbSNP rs1555105739, ClinGen allele CA382542556.